The following is an entry in ClinVar:

NM_001170629.2(CHD8):c.6625G>A (p.Gly2209Ser)

Gene: CHD8 (chromodomain helicase DNA binding protein 8; minus strand). Cytogenetic location: 14q11.2.
Variant type: single nucleotide variant.
Coding change: c.6625G>A on transcript NM_001170629.2 (MANE Select); coding-DNA position 6625, G replaced by A.
Protein change: p.Gly2209Ser; replaces glycine 2209 with serine.
Molecular consequence: missense variant.
Genome position (GRCh38, 1-based): chr14:21,392,653, C>T on the plus strand (G>A on the coding strand, the complement: CHD8 is on the minus strand). VCF-style: chr14-21392653-C-T. GRCh37 (hg19) VCF-style: chr14-21860812-C-T.
Other names: c.5788G>A, p.Gly1930Ser (NM_020920.4); short protein forms G1930S, G2209S.
Identifiers: ClinVar variation 2663548 (VCV002663548.1), dbSNP rs1354622740, ClinGen allele CA388878494.

ClinVar aggregate classification (germline): Uncertain significance (1 of 4 stars; one submission).

Allele frequency attached by ClinVar (database versions not stated): gnomAD 0.00001; TOPMed 0.00001.
gnomAD v4.1: 2 of 1,613,898 alleles (0.00012%); highest among the groups gnomAD compares: Admixed American, 0.0017%; no homozygotes.

Submission:

GeneDx
Classification: Uncertain significance. Last evaluated: 2023-04-14. Review status: criteria provided, single submitter. Criteria: GeneDx Variant Classification Process June 2021. Collection method: clinical testing. Allele origin: germline. Affected: yes.
Comment: Not observed at significant frequency in large population cohorts (gnomAD); In silico analysis supports that this missense variant does not alter protein structure/function; Has not been previously published as pathogenic or benign to our knowledge